The following is an entry in ClinVar:

NM_001684.5(ATP2B4):c.1504G>A (p.Asp502Asn)

Gene: ATP2B4 (ATPase plasma membrane Ca2+ transporting 4; plus strand). Cytogenetic location: 1q32.1.
Variant type: single nucleotide variant.
Coding change: c.1504G>A on transcript NM_001684.5 (MANE Select); coding-DNA position 1504, G replaced by A.
Protein change: p.Asp502Asn; replaces aspartic acid 502 with asparagine.
Molecular consequence: missense variant.
Genome position (GRCh38, 1-based): chr1:203,708,051, G>A. VCF-style: chr1-203708051-G-A. GRCh37 (hg19) VCF-style: chr1-203677179-G-A.
Other names: c.1504G>A, p.Asp502Asn (NM_001001396.3, NM_001365783.2, NM_001365784.2); short protein forms D502N.
Identifiers: ClinVar variation 2406792 (VCV002406792.6), dbSNP rs199804431, ClinGen allele CA1341635.

ClinVar aggregate classification (germline): Uncertain significance. Review status: criteria provided, multiple submitters, no conflicts (2 of 4 stars). 2 submissions from 2 submitters: Uncertain significance (2). Last evaluated 2025-05-01.

Allele frequency attached by ClinVar (database versions not stated): ExAC 0.00005; gnomAD 0.00006.
gnomAD v4.1: 121 of 1,614,008 alleles (0.0075%); highest among the groups gnomAD compares: Middle Eastern, 0.016%; no homozygotes.

Submissions (2):

Ambry Genetics
Classification: Uncertain significance. Last evaluated: 2025-05-01. Review status: criteria provided, single submitter. Criteria: Ambry Variant Classification Scheme 2023. Collection method: clinical testing. Allele origin: germline.

Labcorp Genetics (formerly Invitae), Labcorp
Classification: Uncertain significance. Last evaluated: 2023-07-03. Review status: criteria provided, single submitter. Criteria: Invitae Variant Classification Sherloc (09022015). Collection method: clinical testing. Allele origin: germline.
Comment: This variant is present in population databases (rs199804431, gnomAD 0.01%). This sequence change replaces aspartic acid, which is acidic and polar, with asparagine, which is neutral and polar, at codon 502 of the ATP2B4 protein (p.Asp502Asn). This variant has not been reported in the literature in individuals affected with ATP2B4-related conditions. In summary, the available evidence is currently insufficient to determine the role of this variant in disease. Therefore, it has been classified as a Variant of Uncertain Significance. Advanced modeling of protein sequence and biophysical properties (such as structural, functional, and spatial information, amino acid conservation, physicochemical variation, residue mobility, and thermodynamic stability) performed at Invitae indicates that this missense variant is not expected to disrupt ATP2B4 protein function. ClinVar contains an entry for this variant (Variation ID: 2406792).